The following is an entry in ClinVar:

NM_000416.3(IFNGR1):c.*462A>C

Gene: IFNGR1 (interferon gamma receptor 1; minus strand). Cytogenetic location: 6q23.3.
Variant type: single nucleotide variant.
Coding change: c.*462A>C on transcript NM_000416.3 (MANE Select); 462 bases downstream of the stop codon, A replaced by C.
Molecular consequence: 3 prime UTR variant.
Genome position (GRCh38, 1-based): chr6:137,197,569, T>G on the plus strand (A>C on the coding strand, the complement: IFNGR1 is on the minus strand). VCF-style: chr6-137197569-T-G. GRCh37 (hg19) VCF-style: chr6-137518706-T-G.
Other names: c.*462A>C (NM_001363526.1, NM_001363527.1).
Identifiers: ClinVar variation 906629 (VCV000906629.4), dbSNP rs7750706, ClinGen allele CA148223449.
Genomic context (GRCh38, chr6:137,197,569, plus strand): 5'-AATCTCTAACTGTAATGTTTCATAAAAAATATACACGTTTCTATTTACATATTCCATTAA[T>G]TCTATTAGTTTGAATTAGATTTTAAGTCCAATTTTGAAAAGCTTGCAGAATTTCTTCTGA-3'

ClinVar aggregate classification (germline): Likely benign (1 of 4 stars; one submission).

Conditions:
Immunodeficiency 27A (IMD27A). Also called: IMMUNODEFICIENCY 27A, MYCOBACTERIOSIS, AUTOSOMAL RECESSIVE; IFNGR1 DEFICIENCY, AUTOSOMAL RECESSIVE. Identifiers: Orphanet 319569, Orphanet 99898, MedGen C4011949, MONDO:0008856, OMIM 209950.

Allele frequency attached by ClinVar (database versions not stated): gnomAD exomes 0.00043; TOPMed 0.00184; gnomAD 0.00202 and 0.00213; 1000 Genomes Project 30x 0.00281; 1000 Genomes Project 0.00300.
gnomAD v4.1: 307 of 154,724 alleles (0.2%); highest among the groups gnomAD compares: African/African-American, 0.69%; 2 homozygotes.

Submission:

Illumina Laboratory Services, Illumina
Classification: Likely benign for Immunodeficiency 27A. Last evaluated: 2018-01-13. Review status: criteria provided, single submitter. Criteria: ICSL Variant Classification Criteria 13 December 2019. Collection method: clinical testing. Allele origin: germline.
Comment: This variant was observed in the ICSL laboratory as part of a predisposition screen in an ostensibly healthy population. It had not been previously curated by ICSL or reported in the Human Gene Mutation Database (HGMD: prior to June 1st, 2018), and was therefore a candidate for classification through an automated scoring system. Utilizing variant allele frequency, disease prevalence and penetrance estimates, and inheritance mode, an automated score was calculated to assess if this variant is too frequent to cause the disease. Based on the score and internal cut-off values, a variant classified as likely benign is not then subjected to further curation. The score for this variant resulted in a classification of likely benign for this disease.